The following is an entry in ClinVar:

ClinVar aggregate classification (germline): Uncertain significance (1 of 4 stars; one submission).

gnomAD v4.1: 3 of 1,590,986 alleles (0.00019%); highest among the groups gnomAD compares: African/African-American, 0.0041%; no homozygotes.

Submission:

Labcorp Genetics (formerly Invitae), Labcorp
Classification: Uncertain significance. Last evaluated: 2025-03-20. Review status: criteria provided, single submitter. Criteria: Invitae Variant Classification Sherloc (09022015). Collection method: clinical testing. Allele origin: germline.
Comment: This sequence change replaces serine, which is neutral and polar, with asparagine, which is neutral and polar, at codon 6 of the ERBIN protein (p.Ser6Asn). This variant is present in population databases (no rsID available, gnomAD 0.01%). This variant has not been reported in the literature in individuals affected with ERBIN-related conditions. An algorithm developed to predict the effect of missense changes on protein structure and function outputs the following: PolyPhen-2: "Benign". The asparagine amino acid residue is found in multiple mammalian species, which suggests that this missense change does not adversely affect protein function. In summary, the available evidence is currently insufficient to determine the role of this variant in disease. Therefore, it has been classified as a Variant of Uncertain Significance.

NM_001253697.2(ERBIN):c.17G>A (p.Ser6Asn)

Gene: ERBIN (erbb2 interacting protein; plus strand). Cytogenetic location: 5q12.3.
Variant type: single nucleotide variant.
Coding change: c.17G>A on transcript NM_001253697.2 (MANE Select); coding-DNA position 17, G replaced by A.
Protein change: p.Ser6Asn; replaces serine 6 with asparagine.
Molecular consequence: missense variant.
Genome position (GRCh38, 1-based): chr5:65,992,735, G>A. VCF-style: chr5-65992735-G-A. GRCh37 (hg19) VCF-style: chr5-65288563-G-A.
Other names: c.17G>A, p.Ser6Asn (NM_001006600.3, NM_001253698.2, NM_001253699.2 and 2 more transcripts); short protein forms S6N.
Identifiers: ClinVar variation 4767588 (VCV004767588.1).